The following is an entry in ClinVar:

NM_001206927.2(DNAH8):c.6401T>G (p.Ile2134Ser)

Gene: DNAH8 (dynein axonemal heavy chain 8; plus strand). Cytogenetic location: 6p21.2.
Variant type: single nucleotide variant.
Coding change: c.6401T>G on transcript NM_001206927.2 (MANE Select); coding-DNA position 6401, T replaced by G.
Protein change: p.Ile2134Ser; replaces isoleucine 2134 with serine.
Molecular consequence: missense variant.
Genome position (GRCh38, 1-based): chr6:38,863,963, T>G. VCF-style: chr6-38863963-T-G. GRCh37 (hg19) VCF-style: chr6-38831739-T-G.
Other names: c.5750T>G, p.Ile1917Ser (NM_001371.4); short protein forms I1917S, I2134S.
Identifiers: ClinVar variation 847298 (VCV000847298.19), dbSNP rs1776841560, ClinGen allele CA364023071.

ClinVar aggregate classification (germline): Uncertain significance (1 of 4 stars; one submission).

Conditions:
Primary ciliary dyskinesia. Also called: Ciliary dyskinesia. Identifiers: Orphanet 244, MedGen C0008780, MONDO:0016575, HP:0012265.

Submission:

Labcorp Genetics (formerly Invitae), Labcorp
Classification: Uncertain significance for Primary ciliary dyskinesia. Last evaluated: 2022-12-02. Review status: criteria provided, single submitter. Criteria: Invitae Variant Classification Sherloc (09022015). Collection method: clinical testing. Allele origin: germline.
Comment: In summary, the available evidence is currently insufficient to determine the role of this variant in disease. Therefore, it has been classified as a Variant of Uncertain Significance. Algorithms developed to predict the effect of sequence changes on RNA splicing suggest that this variant may disrupt the consensus splice site. Advanced modeling of protein sequence and biophysical properties (such as structural, functional, and spatial information, amino acid conservation, physicochemical variation, residue mobility, and thermodynamic stability) performed at Invitae indicates that this missense variant is not expected to disrupt DNAH8 protein function. ClinVar contains an entry for this variant (Variation ID: 847298). This variant has not been reported in the literature in individuals affected with DNAH8-related conditions. This variant is not present in population databases (gnomAD no frequency). This sequence change replaces isoleucine, which is neutral and non-polar, with serine, which is neutral and polar, at codon 2134 of the DNAH8 protein (p.Ile2134Ser).